The following is an entry in ClinVar:

NM_000430.4(PAFAH1B1):c.483C>T (p.Ser161=)

Gene: PAFAH1B1 (platelet activating factor acetylhydrolase 1b regulatory subunit 1; plus strand). Cytogenetic location: 17p13.3.
Variant type: single nucleotide variant.
Coding change: c.483C>T on transcript NM_000430.4 (MANE Select); coding-DNA position 483, C replaced by T.
Protein change: p.Ser161=; no amino-acid change (serine 161 retained).
Molecular consequence: synonymous variant.
Genome position (GRCh38, 1-based): chr17:2,670,246, C>T. VCF-style: chr17-2670246-C-T. GRCh37 (hg19) VCF-style: chr17-2573540-C-T.
Identifiers: ClinVar variation 1601590 (VCV001601590.17), dbSNP rs532943486, ClinGen allele CA8283193.

ClinVar aggregate classification (germline): Benign/Likely benign. Review status: criteria provided, multiple submitters, no conflicts (2 of 4 stars). 3 submissions from 3 submitters: Benign (1); Likely benign (2). Last evaluated 2026-01-06.

Allele frequency attached by ClinVar (database versions not stated): gnomAD 0.00002 and 0.00016; TOPMed 0.00005; gnomAD exomes 0.00028 and 0.00060; ExAC 0.00061; 1000 Genomes Project 30x 0.00078; 1000 Genomes Project 0.00080.
gnomAD v4.1: 427 of 1,613,964 alleles (0.026%); highest among the groups gnomAD compares: South Asian, 0.42%; 3 homozygotes.

Submissions (3):

Labcorp Genetics (formerly Invitae), Labcorp
Classification: Benign. Last evaluated: 2026-01-06. Review status: criteria provided, single submitter. Criteria: Invitae Variant Classification Sherloc (09022015). Collection method: clinical testing. Allele origin: germline.

CeGaT Center for Human Genetics Tuebingen
Classification: Likely benign. Last evaluated: 2025-08-01. Review status: criteria provided, single submitter. Criteria: CeGaT Center For Human Genetics Tuebingen Variant Classification Criteria Version 2. Collection method: clinical testing. Allele origin: germline. Affected: yes. Observed: 1 variant allele.
Comment: PAFAH1B1: BP4, BP7

Blueprint Genetics
Classification: Likely benign. Last evaluated: 2024-11-11. Review status: criteria provided, single submitter. Criteria: ACMG Guidelines, 2015. Collection method: clinical testing. Allele origin: germline.